The following is an entry in ClinVar:

NM_000092.5(COL4A4):c.3817+1G>A

Gene: COL4A4 (collagen type IV alpha 4 chain; minus strand). Cytogenetic location: 2q36.3.
Variant type: single nucleotide variant.
Coding change: c.3817+1G>A on transcript NM_000092.5 (MANE Select); the canonical splice donor site of the intron after coding-DNA position 3817, G replaced by A.
Molecular consequence: splice donor variant.
Genome position (GRCh38, 1-based): chr2:227,031,944, C>T on the plus strand (G>A on the coding strand, the complement: COL4A4 is on the minus strand). VCF-style: chr2-227031944-C-T. GRCh37 (hg19) VCF-style: chr2-227896660-C-T.
Identifiers: ClinVar variation 3585769 (VCV003585769.3).

ClinVar aggregate classification (germline): Pathogenic/Likely pathogenic. Review status: criteria provided, multiple submitters, no conflicts (2 of 4 stars). 3 submissions from 3 submitters: Pathogenic (2); Likely pathogenic (1). Last evaluated 2026-11-11.

Conditions:
COL4A4-related disorder.
Familial hematuria. Identifiers: MedGen C1305904.
Hematuria, benign familial, 1 (BFH1). Also called: THIN MEMBRANE NEPHROPATHY. Identifiers: MedGen CN376803, MONDO:0007709, OMIM 141200.
Autosomal recessive Alport syndrome (ATS2). Also called: COL4A4 Alport Syndrome and Thin Basement Membrane Nephropathy; Alport syndrome type 2; COL4A3-Related Nephropathy; ALPORT SYNDROME 2, AUTOSOMAL RECESSIVE. Identifiers: Orphanet 63, Orphanet 88919, MedGen C4746745, MONDO:0008762, OMIM 203780.

gnomAD v4.1: 3 of 1,603,880 alleles (0.00019%); highest among the groups gnomAD compares: Non-Finnish European, 0.00026%; no homozygotes.

Submissions (3):

Clinical Genetics Laboratory, Skane University Hospital Lund
Classification: Pathogenic for Familial hematuria. Last evaluated: 2026-11-11. Review status: criteria provided, single submitter. Criteria: ACMG Guidelines, 2015. Collection method: clinical testing. Allele origin: germline. Affected: yes. Observed: 1 variant allele.
Comment: COL4A4 (NM_000092.5) c.3817+1G>A, p.? involves a nucleotide substitution in intron 40 of 47, which likely leads to altered splicing of exon 40 of 48. COL4A4 c.3817+1G>A has previously been observed at a low allele frequency in the general population, is described in the literature (PMID: 25575550), and is classified as pathogenic/likely pathogenic in the ClinVar database (Accession: VCV003585769.2). In cases of clinical Alport syndrome, the probability of identifying a causative variant in one of the analyzed genes—COL4A3, COL4A4, or COL4A5—is expected to be approximately 97% (see GeneReviews: and PMID: 38103548 for evidence grading). The variant has been classified as pathogenic based on the following ACMG criteria: PVS1_moderate, PS4_moderate, PM2, PP1, and PP4_strong.

Fulgent Genetics
Classification: Pathogenic for Hematuria, benign familial, 1; Autosomal recessive Alport syndrome. Last evaluated: 2024-05-17. Review status: criteria provided, single submitter. Criteria: ACMG Guidelines, 2015. Collection method: clinical testing. Allele origin: germline.

Blueprint Genetics
Classification: Likely pathogenic for COL4A4-related disorders. Last evaluated: 2019-12-16. Review status: criteria provided, single submitter. Criteria: ACMG Guidelines, 2015. Collection method: clinical testing. Allele origin: germline. Affected: yes. Observed: 3 variant alleles.